The following is an entry in ClinVar:

NM_000186.4(CFH):c.1252C>T (p.Pro418Ser)

Gene: CFH (complement factor H; plus strand). Cytogenetic location: 1q31.3.
Variant type: single nucleotide variant.
Coding change: c.1252C>T on transcript NM_000186.4 (MANE Select); coding-DNA position 1252, C replaced by T.
Protein change: p.Pro418Ser; replaces proline 418 with serine.
Molecular consequence: missense variant.
Genome position (GRCh38, 1-based): chr1:196,690,155, C>T. VCF-style: chr1-196690155-C-T. GRCh37 (hg19) VCF-style: chr1-196659285-C-T.
Other names: p.Pro418Ser; c.1252C>T, p.Pro418Ser (NM_001014975.3); short protein forms P418S.
Identifiers: ClinVar variation 2161403 (VCV002161403.7), dbSNP rs369496377, ClinGen allele CA1305290.

ClinVar aggregate classification (germline): Conflicting classifications of pathogenicity. Review status: criteria provided, conflicting classifications (1 of 4 stars). 5 submissions from 5 submitters: Uncertain significance (3); Likely benign (2). Last evaluated 2026-01-19.

Conditions:
Inborn genetic diseases. Identifiers: MedGen C0950123, MeSH D030342.
Hemolytic uremic syndrome, atypical, susceptibility to, 1. Also called: AHUS, SUSCEPTIBILITY TO, 1. Identifiers: Orphanet 2134, Orphanet 90038, MedGen C2749604, MONDO:0009335, OMIM 235400. Disease mechanism: Other.

Allele frequency attached by ClinVar (database versions not stated): 1000 Genomes Project 0.00020; TOPMed 0.00022; ESP Exome Variant Server 0.00023; 1000 Genomes Project 30x 0.00031.
gnomAD v4.1: 67 of 1,613,436 alleles (0.0042%); highest among the groups gnomAD compares: African/African-American, 0.084%; no homozygotes.

Submissions (5):

Women's Health and Genetics/Laboratory Corporation of America, LabCorp
Classification: Uncertain significance. Last evaluated: 2026-01-19. Review status: criteria provided, single submitter. Criteria: LabCorp Variant Classification Summary - May 2015. Collection method: clinical testing. Allele origin: germline.
Comment: Variant summary: CFH c.1252C>T (p.Pro418Ser) results in a non-conservative amino acid change in the encoded protein sequence. Algorithms developed to predict the effect of missense changes on protein structure and function are either unavailable or do not agree on the potential impact of this missense change. The variant allele was found at a frequency of 4.4e-05 in 250878 control chromosomes. This frequency is not significantly higher than estimated for disease-causing variants in CFH, allowing no conclusion about variant significance. To our knowledge, no occurrence of c.1252C>T in individuals affected with CFH-related conditions and no experimental evidence demonstrating its impact on protein function have been reported. ClinVar contains an entry for this variant (Variation ID: 2161403). Based on the evidence outlined above, the variant was classified as uncertain significance.

Labcorp Genetics (formerly Invitae), Labcorp
Classification: Uncertain significance. Last evaluated: 2026-01-16. Review status: criteria provided, single submitter. Criteria: Invitae Variant Classification Sherloc (09022015). Collection method: clinical testing. Allele origin: germline.
Comment: This sequence change replaces proline, which is neutral and non-polar, with serine, which is neutral and polar, at codon 418 of the CFH protein (p.Pro418Ser). This variant is present in population databases (rs369496377, gnomAD 0.08%). This variant has not been reported in the literature in individuals affected with CFH-related conditions. ClinVar contains an entry for this variant (Variation ID: 2161403). An algorithm developed to predict the effect of missense changes on protein structure and function outputs the following: PolyPhen-2: "Benign". The serine amino acid residue is found in multiple mammalian species, which suggests that this missense change does not adversely affect protein function. In summary, the available evidence is currently insufficient to determine the role of this variant in disease. Therefore, it has been classified as a Variant of Uncertain Significance.

Mayo Clinic Laboratories, Mayo Clinic
Classification: Likely benign. Last evaluated: 2025-11-01. Review status: criteria provided, single submitter. Criteria: ACMG Guidelines, 2015. Collection method: clinical testing. Allele origin: germline. Observed: 1 variant allele.
Comment: BP4

Illumina Laboratory Services, Illumina
Classification: Uncertain significance for Hemolytic uremic syndrome, atypical, susceptibility to, 1. Last evaluated: 2024-03-14. Review status: criteria provided, single submitter. Criteria: ISL SNV Classification Criteria 03 February 2026. Collection method: clinical testing. Allele origin: unknown.
Comment: The CFH c.1252C>T p.(Pro418Ser) missense variant has not, to our knowledge, been reported in the peer-reviewed literature. This variant is not observed at a significant frequency in version 2.1.1 or version 4.0.0 of the Genome Aggregation Database. Multiple lines of computational evidence suggest the variant may not impact the gene or gene product. Based on the available evidence, the c.1252C>T p.(Pro418Ser) variant is classified as a variant of uncertain significance for atypical hemolytic uremic syndrome.

Ambry Genetics
Classification: Likely benign for Inborn genetic diseases. Last evaluated: 2024-01-17. Review status: criteria provided, single submitter. Criteria: Ambry Variant Classification Scheme 2023. Collection method: clinical testing. Allele origin: germline.